The following is an entry in ClinVar:

NM_004336.5(BUB1):c.2577G>C (p.Gln859His)

Gene: BUB1 (BUB1 mitotic checkpoint serine/threonine kinase; minus strand). Cytogenetic location: 2q13.
Variant type: single nucleotide variant.
Coding change: c.2577G>C on transcript NM_004336.5 (MANE Select); coding-DNA position 2577, G replaced by C.
Protein change: p.Gln859His; replaces glutamine 859 with histidine.
Molecular consequence: missense variant.
Genome position (GRCh38, 1-based): chr2:110,641,690, C>G on the plus strand (G>C on the coding strand, the complement: BUB1 is on the minus strand). VCF-style: chr2-110641690-C-G. GRCh37 (hg19) VCF-style: chr2-111399267-C-G.
Other names: c.2517G>C, p.Gln839His (NM_001278616.2); c.2577G>C, p.Gln859His (NM_001278617.2); short protein forms Q839H, Q859H.
Identifiers: ClinVar variation 3483054 (VCV003483054.1).
Genomic context (GRCh38, chr2:110,641,690, plus strand): 5'-ATGAATACTTACTAATAATGTTCCATAGCTGTAGAGCTCTCCTACTAATACACTGCCATT[C>G]TGGAATAAGTGGGCAGAATAGAACTTCATAAACATGTGCTGCATAGATGGCTTTAGTCTT-3'
Protein context (NP_004327.1, residues 849-869): FMKFYSAHLF[Gln859His]NGSVLVGELY

ClinVar aggregate classification (germline): Uncertain significance (1 of 4 stars; one submission).

Submission:

Ambry Genetics
Classification: Uncertain significance. Last evaluated: 2024-09-02. Review status: criteria provided, single submitter. Criteria: Ambry Variant Classification Scheme 2023. Collection method: clinical testing. Allele origin: germline.
Comment: The p.Q859H variant (also known as c.2577G>C), located in coding exon 21 of the BUB1 gene, results from a G to C substitution at nucleotide position 2577. The glutamine at codon 859 is replaced by histidine, an amino acid with highly similar properties. This amino acid position is conserved. In addition, this alteration is predicted to be tolerated by in silico analysis. Based on the available evidence, the clinical significance of this variant remains unclear.